The following is an entry in ClinVar:

NM_004304.5(ALK):c.811C>A (p.Pro271Thr)

Gene: ALK (ALK receptor tyrosine kinase; minus strand). Cytogenetic location: 2p23.2.
Variant type: single nucleotide variant.
Coding change: c.811C>A on transcript NM_004304.5 (MANE Select); coding-DNA position 811, C replaced by A.
Protein change: p.Pro271Thr; replaces proline 271 with threonine.
Molecular consequence: missense variant.
Genome position (GRCh38, 1-based): chr2:29,694,991, G>T on the plus strand (C>A on the coding strand, the complement: ALK is on the minus strand). VCF-style: chr2-29694991-G-T. GRCh37 (hg19) VCF-style: chr2-29917857-G-T.
Other names: short protein forms P271T.
Identifiers: ClinVar variation 3285695 (VCV003285695.1).
Genomic context (GRCh38, chr2:29,694,991, plus strand): 5'-GCCAGGACCAGCTCTGGTTCCTGAGGTCATGCAGTGGAGGGGAATACTCCAGCTCACAGG[G>T]GAAGTCAAAGCTGCACTCCAGACCTGCAATAATAGCCAAGGGTCAATGGAAAAAACCATT-3'
Protein context (NP_004295.2, residues 261-281): RYGLECSFDF[Pro271Thr]CELEYSPPLH

ClinVar aggregate classification (germline): Uncertain significance (1 of 4 stars; one submission).

Conditions:
Hereditary cancer-predisposing syndrome. Also called: Tumor predisposition; Hereditary Cancer Syndrome; Hereditary neoplastic syndrome; Neoplastic Syndromes, Hereditary. Identifiers: Orphanet 140162, MedGen C0027672, MeSH D009386, MONDO:0015356.

Submission:

Ambry Genetics
Classification: Uncertain significance for Hereditary cancer-predisposing syndrome. Last evaluated: 2024-03-23. Review status: criteria provided, single submitter. Criteria: Ambry Variant Classification Scheme 2023. Collection method: clinical testing. Allele origin: germline.
Comment: The p.P271T variant (also known as c.811C>A), located in coding exon 3 of the ALK gene, results from a C to A substitution at nucleotide position 811. The proline at codon 271 is replaced by threonine, an amino acid with highly similar properties. This amino acid position is conserved. In addition, the in silico prediction for this alteration is inconclusive. Based on the available evidence, the clinical significance of this alteration remains unclear.